The following is an entry in ClinVar:

ClinVar aggregate classification (germline): Likely pathogenic (1 of 4 stars; one submission).

Conditions:
Intellectual disability-severe speech delay-mild dysmorphism syndrome (IDDLA). Also called: FOXP1 Syndrome; Mental retardation with language impairment and autistic features; Intellectual developmental disorder with language impairment AND with or without autistic features. Identifiers: Orphanet 391372, MedGen C4013764, MONDO:0013352, OMIM 613670.

Submission:

Illumina Laboratory Services, Illumina
Classification: Likely pathogenic for Intellectual disability-severe speech delay-mild dysmorphism syndrome. Last evaluated: 2024-01-18. Review status: criteria provided, single submitter. Criteria: ICSLVariantClassificationCriteria RUGD 01 April 2020. Collection method: clinical testing. Allele origin: unknown.
Comment: The FOXP1 c.596T>A p.(Leu199Ter) nonsense variant is expected to result in the loss of normal protein function through either protein truncation or nonsense-mediated mRNA decay. To our knowledge, this variant has not been reported in the peer-reviewed literature. The variant is not observed in version 2.1.1 or version 4.0.0 of the Genome Aggregation Database. Based on the available evidence, the c.596T>A p.(Leu199Ter) variant is classified as likely pathogenic for FOXP1 syndrome.

NM_001349338.3(FOXP1):c.596T>A (p.Leu199Ter)

Gene: FOXP1 (forkhead box P1; minus strand). Cytogenetic location: 3p13.
Variant type: single nucleotide variant.
Coding change: c.596T>A on transcript NM_001349338.3 (MANE Select); coding-DNA position 596, T replaced by A.
Protein change: p.Leu199Ter; replaces leucine 199 with a stop codon.
Molecular consequence: nonsense. On other transcripts: non-coding transcript variant (2).
Genome position (GRCh38, 1-based): chr3:71,047,010, A>T on the plus strand (T>A on the coding strand, the complement: FOXP1 is on the minus strand). VCF-style: chr3-71047010-A-T. GRCh37 (hg19) VCF-style: chr3-71096161-A-T.
Other names: c.596T>A, p.Leu199Ter (NM_001244808.3, NM_001244810.2, NM_001244814.3 and 3 more transcripts); c.368T>A, p.Leu123Ter (NM_001244812.3); c.296T>A, p.Leu99Ter (NM_001244813.3, NM_001244815.2, NM_001349342.3 and 1 more transcripts); c.293T>A, p.Leu98Ter (NM_001349337.2, NM_001349343.3, NM_001349344.3); c.593T>A, p.Leu198Ter (NM_001349341.3); short protein forms L123*, L198*, L199*, L98*, L99*.
Identifiers: ClinVar variation 3893246 (VCV003893246.1).